The following is an entry in ClinVar:

ClinVar aggregate classification (germline): Benign/Likely benign. Review status: criteria provided, multiple submitters, no conflicts (2 of 4 stars). 3 submissions from 3 submitters: Benign (1); Likely benign (2). Last evaluated 2025-03-17.

Allele frequency attached by ClinVar (database versions not stated): TOPMed 0.00015; gnomAD exomes 0.00019 and 0.00044; 1000 Genomes Project 30x 0.00021; 1000 Genomes Project 0.00026; ExAC 0.00039; gnomAD 0.00040 and 0.00043.
gnomAD v4.1: 251 of 1,201,798 alleles (0.021%); highest among the groups gnomAD compares: South Asian, 0.016%; 1 homozygote.

Submissions (3):

Labcorp Genetics (formerly Invitae), Labcorp
Classification: Benign. Last evaluated: 2025-03-17. Review status: criteria provided, single submitter. Criteria: Invitae Variant Classification Sherloc (09022015). Collection method: clinical testing. Allele origin: germline.

Blueprint Genetics
Classification: Likely benign. Last evaluated: 2024-11-21. Review status: criteria provided, single submitter. Criteria: ACMG Guidelines, 2015. Collection method: clinical testing. Allele origin: germline.

CeGaT Center for Human Genetics Tuebingen
Classification: Likely benign. Last evaluated: 2022-08-01. Review status: criteria provided, single submitter. Criteria: CeGaT Center For Human Genetics Tuebingen Variant Classification Criteria Version 2. Collection method: clinical testing. Allele origin: germline. Affected: yes. Observed: 1 variant allele.
Comment: CACNA1F: BP4, BP7

NM_001256789.3(CACNA1F):c.3741C>T (p.Asp1247=)

Gene: CACNA1F (calcium voltage-gated channel subunit alpha1 F; minus strand). Cytogenetic location: Xp11.23.
Variant type: single nucleotide variant.
Coding change: c.3741C>T on transcript NM_001256789.3 (MANE Select); coding-DNA position 3741, C replaced by T.
Protein change: p.Asp1247=; no amino-acid change (aspartic acid 1247 retained).
Molecular consequence: synonymous variant.
Genome position (GRCh38, 1-based): chrX:49,213,870, G>A on the plus strand (C>T on the coding strand, the complement: CACNA1F is on the minus strand). VCF-style: chrX-49213870-G-A. GRCh37 (hg19) VCF-style: chrX-49070330-G-A.
Other names: c.3579C>T, p.Asp1193= (NM_001256790.3); c.3774C>T, p.Asp1258= (NM_005183.4).
Identifiers: ClinVar variation 1582190 (VCV001582190.33), dbSNP rs199504022, ClinGen allele CA10410382.